The following is an entry in ClinVar:

ClinVar aggregate classification (germline): Likely benign (0 of 4 stars; one submission).

Conditions:
NRP2-related disorder. Also called: NRP2-related condition.

Submission:

PreventionGenetics, part of Exact Sciences
Classification: Likely benign for NRP2-related condition. Last evaluated: 2023-09-07. Review status: no assertion criteria provided. Collection method: clinical testing. Allele origin: germline.
Comment: This variant is classified as likely benign based on ACMG/AMP sequence variant interpretation guidelines (Richards et al. 2015 PMID: 25741868, with internal and published modifications).

NM_003872.3(NRP2):c.585C>T (p.Asp195=)

Gene: NRP2 (neuropilin 2; plus strand). Cytogenetic location: 2q33.3.
Variant type: single nucleotide variant.
Coding change: c.585C>T on transcript NM_003872.3 (MANE Select); coding-DNA position 585, C replaced by T.
Protein change: p.Asp195=; no amino-acid change (aspartic acid 195 retained).
Molecular consequence: synonymous variant.
Genome position (GRCh38, 1-based): chr2:205,722,629, C>T. VCF-style: chr2-205722629-C-T. GRCh37 (hg19) VCF-style: chr2-206587353-C-T.
Other names: c.585C>T, p.Asp195= (NM_018534.4, NM_201264.2, NM_201266.2 and 2 more transcripts).
Identifiers: ClinVar variation 3348499 (VCV003348499.1).